The following is an entry in ClinVar:

ClinVar aggregate classification (germline): Uncertain significance (1 of 4 stars; one submission).

Submission:

CeGaT Center for Human Genetics Tuebingen
Classification: Uncertain significance. Last evaluated: 2025-08-01. Review status: criteria provided, single submitter. Criteria: CeGaT Center For Human Genetics Tuebingen Variant Classification Criteria Version 2. Collection method: clinical testing. Allele origin: germline. Affected: yes. Observed: 1 variant allele.
Comment: MSH3: PM2

NM_002439.5(MSH3):c.1880G>A (p.Ser627Asn)

Gene: MSH3 (mutS homolog 3; plus strand). Cytogenetic location: 5q14.1.
Variant type: single nucleotide variant.
Coding change: c.1880G>A on transcript NM_002439.5 (MANE Select); coding-DNA position 1880, G replaced by A.
Protein change: p.Ser627Asn; replaces serine 627 with asparagine.
Molecular consequence: missense variant.
Genome position (GRCh38, 1-based): chr5:80,761,662, G>A. VCF-style: chr5-80761662-G-A. GRCh37 (hg19) VCF-style: chr5-80057481-G-A.
Other names: short protein forms S627N.
Identifiers: ClinVar variation 4085553 (VCV004085553.8).
Genomic context (GRCh38, chr5:80,761,662, plus strand): 5'-TGTTTGGTCAGATAGAAAATCATCTACGTAAATTGCCCGACATAGAGAGGGGACTCTGTA[G>A]CATTTATCACAAAAAAGTAAGTGTGATAGAAATCTATTAAAGCTGACAGTGTTCTTCAGC-3'
Protein context (NP_002430.3, residues 617-637): KLPDIERGLC[Ser627Asn]IYHKKCSTQE